The following is an entry in ClinVar:

NM_006206.6(PDGFRA):c.1562T>C (p.Leu521Pro)

Gene: PDGFRA (platelet derived growth factor receptor alpha; plus strand). Cytogenetic location: 4q12.
Variant type: single nucleotide variant.
Coding change: c.1562T>C on transcript NM_006206.6 (MANE Select); coding-DNA position 1562, T replaced by C.
Protein change: p.Leu521Pro; replaces leucine 521 with proline.
Molecular consequence: missense variant.
Genome position (GRCh38, 1-based): chr4:54,274,534, T>C. VCF-style: chr4-54274534-T-C. GRCh37 (hg19) VCF-style: chr4-55140701-T-C.
Other names: c.1562T>C, p.Leu521Pro (NM_001347827.2, NM_001347829.2); c.1637T>C, p.Leu546Pro (NM_001347828.2); c.1601T>C, p.Leu534Pro (NM_001347830.2); short protein forms L534P, L521P, L546P.
Identifiers: ClinVar variation 2891707 (VCV002891707.4), dbSNP rs2110296071, ClinGen allele CA356892829.
Genomic context (GRCh38, chr4:54,274,534, plus strand): 5'-CCCCTGTGCATGTCTGCCAGGAAACTTTTCATTGTGCCTCTCTCTCTTGTCACGTAGCCC[T>C]GCGTTCTGAACTCACGGTGGCTGCTGCAGTCCTGGTGCTGTTGGTGATTGTGATCATCTC-3'
Protein context (NP_006197.1, residues 511-531): NRELKLVAPT[Leu521Pro]RSELTVAAAV

ClinVar aggregate classification (germline): Uncertain significance. Review status: criteria provided, multiple submitters, no conflicts (2 of 4 stars). 2 submissions from 2 submitters: Uncertain significance (2). Last evaluated 2024-12-19.

Conditions:
Gastrointestinal stromal tumor. Also called: Gastrointestinal stromal tumor, somatic; Gastrointestinal stroma tumor. Identifiers: Orphanet 44890, MedGen C0238198, MeSH D046152, MONDO:0011719, OMIM 606764, HP:0100723.
Hereditary cancer-predisposing syndrome. Also called: Neoplastic Syndromes, Hereditary; Tumor predisposition; Hereditary neoplastic syndrome; Hereditary Cancer Syndrome. Identifiers: Orphanet 140162, MedGen C0027672, MeSH D009386, MONDO:0015356.

Submissions (2):

Ambry Genetics
Classification: Uncertain significance for Hereditary cancer-predisposing syndrome. Last evaluated: 2024-12-19. Review status: criteria provided, single submitter. Criteria: Ambry Variant Classification Scheme 2023. Collection method: clinical testing. Allele origin: germline.
Comment: The p.L521P variant (also known as c.1562T>C), located in coding exon 10 of the PDGFRA gene, results from a T to C substitution at nucleotide position 1562. The leucine at codon 521 is replaced by proline, an amino acid with similar properties. This amino acid position is well conserved in available vertebrate species. In addition, this alteration is predicted to be tolerated by in silico analysis. Based on the available evidence, the clinical significance of this variant remains unclear.

Labcorp Genetics (formerly Invitae), Labcorp
Classification: Uncertain significance for Gastrointestinal stromal tumor. Last evaluated: 2024-05-31. Review status: criteria provided, single submitter. Criteria: Invitae Variant Classification Sherloc (09022015). Collection method: clinical testing. Allele origin: germline.
Comment: This sequence change replaces leucine, which is neutral and non-polar, with proline, which is neutral and non-polar, at codon 521 of the PDGFRA protein (p.Leu521Pro). This variant is not present in population databases (gnomAD no frequency). This variant has not been reported in the literature in individuals affected with PDGFRA-related conditions. Advanced modeling of protein sequence and biophysical properties (such as structural, functional, and spatial information, amino acid conservation, physicochemical variation, residue mobility, and thermodynamic stability) performed at Invitae indicates that this missense variant is not expected to disrupt PDGFRA protein function with a negative predictive value of 80%. In summary, the available evidence is currently insufficient to determine the role of this variant in disease. Therefore, it has been classified as a Variant of Uncertain Significance.